The following is an entry in ClinVar:

NM_002133.3(HMOX1):c.548G>A (p.Arg183His)

Gene: HMOX1 (heme oxygenase 1; plus strand). Cytogenetic location: 22q12.3.
Variant type: single nucleotide variant.
Coding change: c.548G>A on transcript NM_002133.3 (MANE Select); coding-DNA position 548, G replaced by A.
Protein change: p.Arg183His; replaces arginine 183 with histidine.
Molecular consequence: missense variant.
Genome position (GRCh38, 1-based): chr22:35,387,088, G>A. VCF-style: chr22-35387088-G-A. GRCh37 (hg19) VCF-style: chr22-35783081-G-A.
Other names: short protein forms R183H.
Identifiers: ClinVar variation 1910386 (VCV001910386.5), dbSNP rs2517864486, ClinGen allele CA411353036.

ClinVar aggregate classification (germline): Uncertain significance (1 of 4 stars; one submission).

Allele frequency attached by ClinVar (database versions not stated): gnomAD exomes below 0.00001.
gnomAD v4.1: 4 of 1,613,572 alleles (0.00025%); highest among the groups gnomAD compares: South Asian, 0.0011%; no homozygotes.

Submission:

Labcorp Genetics (formerly Invitae), Labcorp
Classification: Uncertain significance. Last evaluated: 2022-08-12. Review status: criteria provided, single submitter. Criteria: Invitae Variant Classification Sherloc (09022015). Collection method: clinical testing. Allele origin: germline.
Comment: This variant is not present in population databases (gnomAD no frequency). This sequence change replaces arginine, which is basic and polar, with histidine, which is basic and polar, at codon 183 of the HMOX1 protein (p.Arg183His). This variant has not been reported in the literature in individuals affected with HMOX1-related conditions. In summary, the available evidence is currently insufficient to determine the role of this variant in disease. Therefore, it has been classified as a Variant of Uncertain Significance. Algorithms developed to predict the effect of missense changes on protein structure and function are either unavailable or do not agree on the potential impact of this missense change (SIFT: "Tolerated"; PolyPhen-2: "Possibly Damaging"; Align-GVGD: "Class C0").